The following is an entry in ClinVar:

ClinVar aggregate classification (germline): Uncertain significance (1 of 4 stars; one submission).

Conditions:
DICER1-related tumor predisposition. Also called: DICER1-related pleuropulmonary blastoma cancer predisposition syndrome; DICER1 syndrome. Identifiers: Orphanet 284343, MedGen C3839822, MONDO:0100216.

Submission:

Labcorp Genetics (formerly Invitae), Labcorp
Classification: Uncertain significance for DICER1-related tumor predisposition. Last evaluated: 2021-04-30. Review status: criteria provided, single submitter. Criteria: Invitae Variant Classification Sherloc (09022015). Collection method: clinical testing. Allele origin: germline.
Comment: In summary, the available evidence is currently insufficient to determine the role of this variant in disease. Therefore, it has been classified as a Variant of Uncertain Significance. Algorithms developed to predict the effect of missense changes on protein structure and function (SIFT, PolyPhen-2, Align-GVGD) all suggest that this variant is likely to be tolerated, but these predictions have not been confirmed by published functional studies and their clinical significance is uncertain. This variant has not been reported in the literature in individuals with DICER1-related conditions. This variant is not present in population databases (ExAC no frequency). This sequence change replaces valine with leucine at codon 1885 of the DICER1 protein (p.Val1885Leu). The valine residue is highly conserved and there is a small physicochemical difference between valine and leucine.

NM_177438.3(DICER1):c.5653G>T (p.Val1885Leu)

Gene: DICER1 (dicer 1, ribonuclease III; minus strand). Cytogenetic location: 14q32.13.
Variant type: single nucleotide variant.
Coding change: c.5653G>T on transcript NM_177438.3 (MANE Select); coding-DNA position 5653, G replaced by T.
Protein change: p.Val1885Leu; replaces valine 1885 with leucine.
Molecular consequence: missense variant. On other transcripts: stop lost (1).
Genome position (GRCh38, 1-based): chr14:95,090,614, C>A on the plus strand (G>T on the coding strand, the complement: DICER1 is on the minus strand). VCF-style: chr14-95090614-C-A. GRCh37 (hg19) VCF-style: chr14-95556951-C-A.
Other names: c.5490G>T, p.Ter1830Tyr (NM_001195573.1); c.5653G>T, p.Val1885Leu (NM_001271282.3, NM_001291628.2, NM_030621.4); short protein forms V1885L.
Identifiers: ClinVar variation 1421402 (VCV001421402.9), dbSNP rs1889706594, ClinGen allele CA390863462.
Genomic context (GRCh38, chr14:95,090,614, plus strand): 5'-CTGCTGCAGATTTGGCAATCCTGTAACTTCGACCAACACCTTTAAATTTCCCCTTTCCTA[C>A]TACTTCCACAGTGACTCTGACCTTCCCGTCGTAAGTTCTCTCAGCCGGGCTGTAAAAAAT-3'
Protein context (NP_803187.1, residues 1875-1895): DGKVRVTVEV[Val1885Leu]GKGKFKGVGR